The following is an entry in ClinVar:

NM_007373.4(SHOC2):c.1295T>C (p.Leu432Ser)

Gene: SHOC2 (SHOC2 leucine rich repeat scaffold protein; plus strand). Cytogenetic location: 10q25.2.
Variant type: single nucleotide variant.
Coding change: c.1295T>C on transcript NM_007373.4 (MANE Select); coding-DNA position 1295, T replaced by C.
Protein change: p.Leu432Ser; replaces leucine 432 with serine.
Molecular consequence: missense variant. On other transcripts: non-coding transcript variant (1).
Genome position (GRCh38, 1-based): chr10:111,009,258, T>C. VCF-style: chr10-111009258-T-C. GRCh37 (hg19) VCF-style: chr10-112769016-T-C.
Other names: c.1157T>C, p.Leu386Ser (NM_001269039.3); c.1295T>C, p.Leu432Ser (NM_001324336.2, NM_001324337.2); short protein forms L432S, L386S.
Identifiers: ClinVar variation 3954163 (VCV003954163.1).

ClinVar aggregate classification (germline): Uncertain significance (1 of 4 stars; one submission).

Conditions:
Cardiovascular phenotype. Identifiers: MedGen CN230736.

gnomAD v4.1: 2 of 1,567,290 alleles (0.00013%); highest among the groups gnomAD compares: Non-Finnish European, 0.00018%; no homozygotes.

Submission:

Ambry Genetics
Classification: Uncertain significance for Cardiovascular phenotype. Last evaluated: 2025-05-15. Review status: criteria provided, single submitter. Criteria: Ambry Variant Classification Scheme 2023. Collection method: clinical testing. Allele origin: germline.
Comment: The p.L432S variant (also known as c.1295T>C), located in coding exon 6 of the SHOC2 gene, results from a T to C substitution at nucleotide position 1295. The leucine at codon 432 is replaced by serine, an amino acid with dissimilar properties. This amino acid position is conserved. In addition, this alteration is predicted to be deleterious by in silico analysis. Based on the available evidence, the clinical significance of this variant remains unclear.